The following is an entry in ClinVar:

NM_003849.4(SUCLG1):c.152A>G (p.Tyr51Cys)

Gene: SUCLG1 (succinate-CoA ligase GDP/ADP-forming subunit alpha; minus strand). Cytogenetic location: 2p11.2.
Variant type: single nucleotide variant.
Coding change: c.152A>G on transcript NM_003849.4 (MANE Select); coding-DNA position 152, A replaced by G.
Protein change: p.Tyr51Cys; replaces tyrosine 51 with cysteine.
Molecular consequence: missense variant.
Genome position (GRCh38, 1-based): chr2:84,449,698, T>C on the plus strand (A>G on the coding strand, the complement: SUCLG1 is on the minus strand). VCF-style: chr2-84449698-T-C. GRCh37 (hg19) VCF-style: chr2-84676822-T-C.
Other names: short protein forms Y51C.
Identifiers: ClinVar variation 2143797 (VCV002143797.4), dbSNP rs892512758, ClinGen allele CA52256021.

ClinVar aggregate classification (germline): Uncertain significance (1 of 4 stars; one submission).

Conditions:
Mitochondrial DNA depletion syndrome 9 (MTDPS9). Also called: SUCLG1-Related Mitochondrial DNA Depletion Syndrome, Encephalomyopathic Form with Methylmalonic Aciduria. Identifiers: Orphanet 17, MedGen C3151476, MONDO:0009504, OMIM 245400.

Submission:

Labcorp Genetics (formerly Invitae), Labcorp
Classification: Uncertain significance for Mitochondrial DNA depletion syndrome 9. Last evaluated: 2022-02-20. Review status: criteria provided, single submitter. Criteria: Invitae Variant Classification Sherloc (09022015). Collection method: clinical testing. Allele origin: germline.
Comment: In summary, the available evidence is currently insufficient to determine the role of this variant in disease. Therefore, it has been classified as a Variant of Uncertain Significance. Algorithms developed to predict the effect of missense changes on protein structure and function (SIFT, PolyPhen-2, Align-GVGD) all suggest that this variant is likely to be tolerated. This variant has not been reported in the literature in individuals affected with SUCLG1-related conditions. This variant is not present in population databases (gnomAD no frequency). This sequence change replaces tyrosine, which is neutral and polar, with cysteine, which is neutral and slightly polar, at codon 51 of the SUCLG1 protein (p.Tyr51Cys).